The following is an entry in ClinVar:

ClinVar aggregate classification (germline): Uncertain significance (1 of 4 stars; one submission).

Submission:

GeneDx
Classification: Uncertain significance. Last evaluated: 2023-12-07. Review status: criteria provided, single submitter. Criteria: GeneDx Variant Classification Process June 2021. Collection method: clinical testing. Allele origin: germline. Affected: yes.
Comment: Not observed at significant frequency in large population cohorts (gnomAD); In silico analysis supports that this missense variant does not alter protein structure/function; Has not been previously published as pathogenic or benign to our knowledge

NM_003106.4(SOX2):c.575C>G (p.Ala192Gly)

Genes: SOX2 (SRY-box transcription factor 2; plus strand), SOX2-OT (SOX2 overlapping transcript; plus strand). Cytogenetic location: 3q26.33.
Variant type: single nucleotide variant.
Coding change: c.575C>G on transcript NM_003106.4 (MANE Select); coding-DNA position 575, C replaced by G.
Protein change: p.Ala192Gly; replaces alanine 192 with glycine.
Molecular consequence: missense variant.
Genome position (GRCh38, 1-based): chr3:181,712,935, C>G. VCF-style: chr3-181712935-C-G. GRCh37 (hg19) VCF-style: chr3-181430723-C-G.
Other names: short protein forms A192G.
Identifiers: ClinVar variation 3365135 (VCV003365135.1).